The following is an entry in ClinVar:

ClinVar aggregate classification (germline): Uncertain significance. Review status: criteria provided, multiple submitters, no conflicts (2 of 4 stars). 2 submissions from 2 submitters: Uncertain significance (2). Last evaluated 2022-03-18.

Conditions:
Inborn genetic diseases. Identifiers: MedGen C0950123, MeSH D030342.
Epidermolysis bullosa simplex 3, localized or generalized intermediate, with BP230 deficiency (EBS3). Also called: Epidermolysis bullosa simplex, autosomal recessive 2; Epidermolysis bullosa simplex due to BP230 deficiency. Identifiers: Orphanet 412181, MedGen C3809470, MONDO:0014180, OMIM 615425.
Hereditary sensory and autonomic neuropathy type 6. Also called: Neuropathy, hereditary sensory and autonomic, type VI; HSAN VI. Identifiers: Orphanet 314381, MedGen C3539003, MONDO:0013839, OMIM 614653.

Allele frequency attached by ClinVar (database versions not stated): gnomAD exomes below 0.00001; TOPMed below 0.00001; gnomAD 0.00001.
gnomAD v4.1: 7 of 1,613,086 alleles (0.00043%); highest among the groups gnomAD compares: Non-Finnish European, 0.00059%; no homozygotes.

Submissions (2):

Labcorp Genetics (formerly Invitae), Labcorp
Classification: Uncertain significance for Epidermolysis bullosa simplex 3, localized or generalized intermediate, with BP230 deficiency; Hereditary sensory and autonomic neuropathy type 6. Last evaluated: 2022-03-18. Review status: criteria provided, single submitter. Criteria: Invitae Variant Classification Sherloc (09022015). Collection method: clinical testing. Allele origin: germline.
Comment: The DST gene has multiple clinically relevant transcripts. This variant occurs in alternate transcript NM_015548.4, and corresponds to NM_001723.5:c.*85509C>T in the primary transcript. This sequence change replaces alanine, which is neutral and non-polar, with valine, which is neutral and non-polar, at codon 3122 of the DST protein (p.Ala3122Val). This variant is not present in population databases (gnomAD no frequency). This variant has not been reported in the literature in individuals affected with DST-related conditions. Algorithms developed to predict the effect of sequence changes on RNA splicing suggest that this variant may create or strengthen a splice site. In summary, the available evidence is currently insufficient to determine the role of this variant in disease. Therefore, it has been classified as a Variant of Uncertain Significance.

Ambry Genetics
Classification: Uncertain significance for Inborn genetic diseases. Last evaluated: 2021-02-27. Review status: criteria provided, single submitter. Criteria: Ambry Variant Classification Scheme 2023. Collection method: clinical testing. Allele origin: germline.
Comment: The p.A3626V variant (also known as c.10877C>T), located in coding exon 59 of the DST gene, results from a C to T substitution at nucleotide position 10877. The alanine at codon 3626 is replaced by valine, an amino acid with similar properties. This amino acid position is not well conserved in available vertebrate species. In addition, this alteration is predicted to be tolerated by in silico analysis. Since supporting evidence is limited at this time, the clinical significance of this alteration remains unclear.

NM_001374736.1(DST):c.17234C>T (p.Ala5745Val)

Gene: DST (dystonin; minus strand). Cytogenetic location: 6p12.1.
Variant type: single nucleotide variant.
Coding change: c.17234C>T on transcript NM_001374736.1 (MANE Select); coding-DNA position 17234, C replaced by T.
Protein change: p.Ala5745Val; replaces alanine 5745 with valine.
Molecular consequence: missense variant.
Genome position (GRCh38, 1-based): chr6:56,530,008, G>A on the plus strand (C>T on the coding strand, the complement: DST is on the minus strand). VCF-style: chr6-56530008-G-A. GRCh37 (hg19) VCF-style: chr6-56394806-G-A.
Other names: c.10877C>T, p.Ala3626Val (NM_001144769.5); c.10463C>T, p.Ala3488Val (NM_001144770.2); c.17234C>T, p.Ala5745Val (NM_001374722.1); c.16601C>T, p.Ala5534Val (NM_001374729.1); c.10343C>T, p.Ala3448Val (NM_001374730.1, NM_183380.4); c.17261C>T, p.Ala5754Val (NM_001374734.1); c.9365C>T, p.Ala3122Val (NM_015548.5); short protein forms A5534V, A5754V, A3626V, A5745V, A3448V, A3122V, A3488V.
Identifiers: ClinVar variation 970817 (VCV000970817.9), dbSNP rs1562586282, ClinGen allele CA364509210.
Genomic context (GRCh38, chr6:56,530,008, plus strand): 5'-TCGCTAATGTGTGATTTATATCTTACTTTGTGCTGTGCAATTTGTTCCTCAAGTTTAGAT[G>A]CTTGGGTTCCTATGGGTTCACAATTCACCAGCCTCTTTTCTATGGTTGTAAGCCACTCGT-3'
Protein context (NP_001361665.1, residues 5735-5755): LVNCEPIGTQ[Ala5745Val]SKLEEQIAQH